The following is an entry in ClinVar:

NM_130811.4(SNAP25):c.552+8C>T

Gene: SNAP25 (synaptosome associated protein 25; plus strand). Cytogenetic location: 20p12.2.
Variant type: single nucleotide variant.
Coding change: c.552+8C>T on transcript NM_130811.4 (MANE Select); 8 bases into the intron after coding-DNA position 552, C replaced by T.
Molecular consequence: intron variant.
Genome position (GRCh38, 1-based): chr20:10,299,420, C>T. VCF-style: chr20-10299420-C-T. GRCh37 (hg19) VCF-style: chr20-10280068-C-T.
Other names: c.552+8C>T (NM_001322907.2, NM_001322910.2, NM_001322904.2 and 7 more transcripts).
Identifiers: ClinVar variation 1081175 (VCV001081175.33), dbSNP rs528347276, ClinGen allele CA9763394.
Genomic context (GRCh38, chr20:10,299,420, plus strand): 5'-TGGGCAATGAGATCGATACACAGAATCGCCAGATCGACAGGATCATGGAGAAGGTGAGCA[C>T]GTGGCAGTCAGCAAGTCCCTACTGCGAGTCACTTCTGAAATGACCAACAGGAAGTGTGAA-3'

ClinVar aggregate classification (germline): Likely benign. Review status: criteria provided, multiple submitters, no conflicts (2 of 4 stars). 3 submissions from 3 submitters: Likely benign (3). Last evaluated 2025-12-09.

Conditions:
Congenital myasthenic syndrome 18. Also called: MYASTHENIC SYNDROME, CONGENITAL, 18, WITH INTELLECTUAL DISABILITY AND ATAXIA. Identifiers: Orphanet 590, MedGen C4225364, MONDO:0014590, OMIM 616330.

Allele frequency attached by ClinVar (database versions not stated): ExAC 0.00002; gnomAD 0.00003; TOPMed 0.00003; gnomAD exomes 0.00005 and 0.00006.
gnomAD v4.1: 83 of 1,610,258 alleles (0.0052%); highest among the groups gnomAD compares: South Asian, 0.0066%; no homozygotes.

Submissions (3):

Labcorp Genetics (formerly Invitae), Labcorp
Classification: Likely benign for Congenital myasthenic syndrome 18. Last evaluated: 2025-12-09. Review status: criteria provided, single submitter. Criteria: Invitae Variant Classification Sherloc (09022015). Collection method: clinical testing. Allele origin: germline.

Blueprint Genetics
Classification: Likely benign. Last evaluated: 2024-10-16. Review status: criteria provided, single submitter. Criteria: ACMG Guidelines, 2015. Collection method: clinical testing. Allele origin: germline.

CeGaT Center for Human Genetics Tuebingen
Classification: Likely benign. Last evaluated: 2023-06-01. Review status: criteria provided, single submitter. Criteria: CeGaT Center For Human Genetics Tuebingen Variant Classification Criteria Version 2. Collection method: clinical testing. Allele origin: germline. Affected: yes. Observed: 1 variant allele.
Comment: SNAP25: BP4, BS2